The following is an entry in ClinVar:

NM_001363.5(DKC1):c.537C>G (p.Ala179=)

Gene: DKC1 (dyskerin pseudouridine synthase 1; plus strand). Cytogenetic location: Xq28.
Variant type: single nucleotide variant.
Coding change: c.537C>G on transcript NM_001363.5 (MANE Select); coding-DNA position 537, C replaced by G.
Protein change: p.Ala179=; no amino-acid change (alanine 179 retained).
Molecular consequence: synonymous variant. On other transcripts: non-coding transcript variant (3).
Genome position (GRCh38, 1-based): chrX:154,767,279, C>G. VCF-style: chrX-154767279-C-G. GRCh37 (hg19) VCF-style: chrX-153995554-C-G.
Other names: c.537C>G, p.Ala179= (NM_001142463.3, NM_001288747.2).
Identifiers: ClinVar variation 1364320 (VCV001364320.10), dbSNP rs782697778, ClinGen allele CA10567050.

ClinVar aggregate classification (germline): Conflicting classifications of pathogenicity. Review status: criteria provided, conflicting classifications (1 of 4 stars). 2 submissions from 2 submitters: Uncertain significance (1); Likely benign (1). Last evaluated 2024-02-17.

Conditions:
Dyskeratosis congenita. Identifiers: Orphanet 1775, MedGen C0265965, MONDO:0015780.

Allele frequency attached by ClinVar (database versions not stated): ExAC 0.00001; gnomAD exomes 0.00001; TOPMed 0.00001.
gnomAD v4.1: 3 of 1,211,671 alleles (0.00025%); highest among the groups gnomAD compares: Non-Finnish European, 0.00034%; no homozygotes.

Submissions (3):

Labcorp Genetics (formerly Invitae), Labcorp
Classification: Likely benign for Dyskeratosis congenita. Last evaluated: 2024-02-17. Review status: criteria provided, single submitter. Criteria: Invitae Variant Classification Sherloc (09022015). Collection method: clinical testing. Allele origin: germline.

Sema4
Classification: Uncertain significance for Dyskeratosis congenita. Last evaluated: 2021-09-23. Review status: criteria provided, single submitter. Criteria: Sema4 Curation Guidelines. Collection method: curation. Allele origin: germline.
Comment: The DKC1 c.537C>G (p.A179=) variant has not been reported in the literature to our knowledge. It was observed in 1/81903 chromosomes of the Non-Finnish European subpopulation in the large and broad cohorts of the Genome Aggregation Database (PMID: 32461654). The variant has not been reported in ClinVar. In silico tools suggest that the variant may create or strengthen a cryptic splice site, though these predictions have not been confirmed by functional studies. The evidence is insufficient to meet ACMG/AMP criteria for classifying the variant as benign or pathogenic. Thus, the clinical significance of this variant is currently uncertain.

Dr. Peter K. Rogan Lab, Western University
No classification provided (evidence only). Condition: Thyroid cancer, nonmedullary, 1. Review status: no classification provided. Collection method: in vitro. Allele origin: not applicable. Functional consequence: retained intron. Not counted in ClinVar's aggregate classification.